The following is an entry in ClinVar:

ClinVar aggregate classification (germline): Uncertain significance. Review status: criteria provided, multiple submitters, no conflicts (2 of 4 stars). 2 submissions from 2 submitters: Uncertain significance (2). Last evaluated 2025-11-03.

Conditions:
Inborn genetic diseases. Identifiers: MedGen C0950123, MeSH D030342.

Allele frequency attached by ClinVar (database versions not stated): TOPMed below 0.00001; gnomAD 0.00001; gnomAD exomes 0.00001; ExAC 0.00002.
gnomAD v4.1: 25 of 1,613,964 alleles (0.0015%); highest among the groups gnomAD compares: Middle Eastern, 0.033%; no homozygotes.

Submissions (2):

Ambry Genetics
Classification: Uncertain significance for Inborn genetic diseases. Last evaluated: 2025-11-03. Review status: criteria provided, single submitter. Criteria: Ambry Variant Classification Scheme 2023. Collection method: clinical testing. Allele origin: germline.

Labcorp Genetics (formerly Invitae), Labcorp
Classification: Uncertain significance. Last evaluated: 2023-10-17. Review status: criteria provided, single submitter. Criteria: Invitae Variant Classification Sherloc (09022015). Collection method: clinical testing. Allele origin: germline.
Comment: This sequence change replaces isoleucine, which is neutral and non-polar, with threonine, which is neutral and polar, at codon 87 of the HPSE2 protein (p.Ile87Thr). The frequency data for this variant in the population databases is considered unreliable, as metrics indicate poor data quality at this position in the gnomAD database. This variant has not been reported in the literature in individuals affected with HPSE2-related conditions. An algorithm developed to predict the effect of missense changes on protein structure and function (PolyPhen-2) suggests that this variant is likely to be tolerated. In summary, the available evidence is currently insufficient to determine the role of this variant in disease. Therefore, it has been classified as a Variant of Uncertain Significance.

NM_021828.5(HPSE2):c.260T>C (p.Ile87Thr)

Gene: HPSE2 (heparanase 2 (inactive); minus strand). Cytogenetic location: 10q24.2.
Variant type: single nucleotide variant.
Coding change: c.260T>C on transcript NM_021828.5 (MANE Select); coding-DNA position 260, T replaced by C.
Protein change: p.Ile87Thr; replaces isoleucine 87 with threonine.
Molecular consequence: missense variant.
Genome position (GRCh38, 1-based): chr10:99,235,543, A>G on the plus strand (T>C on the coding strand, the complement: HPSE2 is on the minus strand). VCF-style: chr10-99235543-A-G. GRCh37 (hg19) VCF-style: chr10-100995300-A-G.
Other names: c.260T>C, p.Ile87Thr (NM_001166244.1, NM_001166245.1, NM_001166246.1); c.260T>C (NM_021828.4); short protein forms I87T.
Identifiers: ClinVar variation 2904000 (VCV002904000.4), dbSNP rs140162468, ClinGen allele CA5640042.